The following is an entry in ClinVar:

ClinVar aggregate classification (germline): Conflicting classifications of pathogenicity. Review status: criteria provided, conflicting classifications (1 of 4 stars). 6 submissions from 6 submitters: Uncertain significance (2); Likely benign (3). 1 of the submissions does not count toward it. Last evaluated 2026-01-12.

Conditions:
MLH3-related disorder. Also called: MLH3-related condition.
Colorectal cancer, hereditary nonpolyposis, type 7. Identifiers: Orphanet 144, MedGen C1858380, MONDO:0013725, OMIM 614385.

Allele frequency attached by ClinVar (database versions not stated): 1000 Genomes Project 0.00020; TOPMed 0.00029; 1000 Genomes Project 30x 0.00031; ESP Exome Variant Server 0.00038; gnomAD exomes 0.00045 and 0.00071; ExAC 0.00047; gnomAD 0.00058 and 0.00061.
gnomAD v4.1: 1,117 of 1,608,284 alleles (0.069%); highest among the groups gnomAD compares: Non-Finnish European, 0.076%; 1 homozygote.

Submissions (6):

Labcorp Genetics (formerly Invitae), Labcorp
Classification: Likely benign for Colorectal cancer, hereditary nonpolyposis, type 7. Last evaluated: 2026-01-12. Review status: criteria provided, single submitter. Criteria: Invitae Variant Classification Sherloc (09022015). Collection method: clinical testing. Allele origin: germline.

Center for Genomic Medicine, Rigshospitalet, Copenhagen University Hospital
Classification: Uncertain significance. Last evaluated: 2025-12-29. Review status: criteria provided, single submitter. Criteria: ACMG Guidelines, 2015. Collection method: clinical testing. Allele origin: germline.

Blueprint Genetics
Classification: Likely benign. Last evaluated: 2024-10-29. Review status: criteria provided, single submitter. Criteria: ACMG Guidelines, 2015. Collection method: clinical testing. Allele origin: germline.

Mayo Clinic Laboratories, Mayo Clinic
Classification: Uncertain significance. Last evaluated: 2024-06-04. Review status: criteria provided, single submitter. Criteria: ACMG Guidelines, 2015. Collection method: clinical testing. Allele origin: germline. Observed: 1 variant allele.

Ambry Genetics
Classification: Likely benign. Last evaluated: 2020-06-30. Review status: criteria provided, single submitter. Criteria: Ambry Variant Classification Scheme 2023. Collection method: clinical testing. Allele origin: germline.

PreventionGenetics, part of Exact Sciences
Classification: Likely benign for MLH3-related condition. Last evaluated: 2021-12-23. Review status: no assertion criteria provided. Collection method: clinical testing. Allele origin: germline. Not counted in ClinVar's aggregate classification.
Comment: This variant is classified as likely benign based on ACMG/AMP sequence variant interpretation guidelines (Richards et al. 2015 PMID: 25741868, with internal and published modifications).

Literature cited by the submitters: PubMed 12702580 (cited by Center for Genomic Medicine, Rigshospitalet, Copenhagen University Hospital).

NM_001040108.2(MLH3):c.1234A>G (p.Lys412Glu)

Gene: MLH3 (mutL homolog 3; minus strand). Cytogenetic location: 14q24.3.
Variant type: single nucleotide variant.
Coding change: c.1234A>G on transcript NM_001040108.2 (MANE Select); coding-DNA position 1234, A replaced by G.
Protein change: p.Lys412Glu; replaces lysine 412 with glutamic acid.
Molecular consequence: missense variant.
Genome position (GRCh38, 1-based): chr14:75,048,422, T>C on the plus strand (A>G on the coding strand, the complement: MLH3 is on the minus strand). VCF-style: chr14-75048422-T-C. GRCh37 (hg19) VCF-style: chr14-75515125-T-C.
Other names: p.Lys412Glu; c.1234A>G, p.Lys412Glu (NM_014381.3); short protein forms K412E.
Identifiers: ClinVar variation 544288 (VCV000544288.23), dbSNP rs61754769, ClinGen allele CA7275902.